The following is an entry in ClinVar:

NM_182961.4(SYNE1):c.1016T>C (p.Met339Thr)

Gene: SYNE1 (spectrin repeat containing nuclear envelope protein 1; minus strand). Cytogenetic location: 6q25.2.
Variant type: single nucleotide variant.
Coding change: c.1016T>C on transcript NM_182961.4 (MANE Select); coding-DNA position 1016, T replaced by C.
Protein change: p.Met339Thr; replaces methionine 339 with threonine.
Molecular consequence: missense variant.
Genome position (GRCh38, 1-based): chr6:152,488,427, A>G on the plus strand (T>C on the coding strand, the complement: SYNE1 is on the minus strand). VCF-style: chr6-152488427-A-G. GRCh37 (hg19) VCF-style: chr6-152809562-A-G.
Other names: c.1037T>C (NM_033071.3); c.1037T>C, p.Met346Thr (NM_033071.5); short protein forms M339T, M346T.
Identifiers: ClinVar variation 1349485 (VCV001349485.7), dbSNP rs1489130675, ClinGen allele CA366144250.

ClinVar aggregate classification (germline): Uncertain significance. Review status: criteria provided, multiple submitters, no conflicts (2 of 4 stars). 2 submissions from 2 submitters: Uncertain significance (2). Last evaluated 2025-07-21.

Conditions:
Autosomal recessive ataxia, Beauce type. Also called: SYNE1-Related Autosomal Recessive Cerebellar Ataxia; SYNE1 Deficiency; Spinocerebellar ataxia, autosomal recessive 8; ATAXIA, RECESSIVE, OF BEAUCE. Identifiers: Orphanet 88644, MedGen C1853116, MONDO:0012549, OMIM 610743.
Emery-Dreifuss muscular dystrophy 4, autosomal dominant (EDMD4). Also called: EMERY-DREIFUSS MUSCULAR DYSTROPHY 4 WITH VARIABLE FEATURES. Identifiers: Orphanet 261, MedGen C2751807, MONDO:0013071, OMIM 612998.

Allele frequency attached by ClinVar (database versions not stated): gnomAD exomes 0.00001; gnomAD 0.00002; TOPMed 0.00003.
gnomAD v4.1: 59 of 1,608,340 alleles (0.0037%); highest among the groups gnomAD compares: Non-Finnish European, 0.0046%; no homozygotes.

Submissions (2):

Labcorp Genetics (formerly Invitae), Labcorp
Classification: Uncertain significance for Emery-Dreifuss muscular dystrophy 4, autosomal dominant; Autosomal recessive ataxia, Beauce type. Last evaluated: 2025-07-21. Review status: criteria provided, single submitter. Criteria: Invitae Variant Classification Sherloc (09022015). Collection method: clinical testing. Allele origin: germline.
Comment: This sequence change replaces methionine, which is neutral and non-polar, with threonine, which is neutral and polar, at codon 346 of the SYNE1 protein (p.Met346Thr). This variant is present in population databases (no rsID available, gnomAD 0.002%). This variant has not been reported in the literature in individuals affected with SYNE1-related conditions. ClinVar contains an entry for this variant (Variation ID: 1349485). An algorithm developed to predict the effect of missense changes on protein structure and function (PolyPhen-2) suggests that this variant is likely to be tolerated. In summary, the available evidence is currently insufficient to determine the role of this variant in disease. Therefore, it has been classified as a Variant of Uncertain Significance.

Revvity Omics, Revvity
Classification: Uncertain significance. Last evaluated: 2021-12-27. Review status: criteria provided, single submitter. Criteria: ACMG Guidelines, 2015. Collection method: clinical testing. Allele origin: germline.